The following is an entry in ClinVar:

NM_000089.4(COL1A2):c.3443C>A (p.Thr1148Asn)

Gene: COL1A2 (collagen type I alpha 2 chain; plus strand). Cytogenetic location: 7q21.3.
Variant type: single nucleotide variant.
Coding change: c.3443C>A on transcript NM_000089.4 (MANE Select); coding-DNA position 3443, C replaced by A.
Protein change: p.Thr1148Asn; replaces threonine 1148 with asparagine.
Molecular consequence: missense variant.
Genome position (GRCh38, 1-based): chr7:94,427,802, C>A. VCF-style: chr7-94427802-C-A. GRCh37 (hg19) VCF-style: chr7-94057114-C-A.
Other names: short protein forms T1148N.
Identifiers: ClinVar variation 3495243 (VCV003495243.1).
Genomic context (GRCh38, chr7:94,427,802, plus strand): 5'-TCAGACCCAAGGACTATGAAGTTGATGCTACTCTGAAGTCTCTCAACAACCAGATTGAGA[C>A]CCTTCTTACTCCTGAAGGCTCTAGAAAGAACCCAGCTCGCACATGCCGTGACTTGAGACT-3'
Protein context (NP_000080.2, residues 1138-1158): TLKSLNNQIE[Thr1148Asn]LLTPEGSRKN

ClinVar aggregate classification (germline): Uncertain significance (1 of 4 stars; one submission).

Conditions:
Cardiovascular phenotype. Identifiers: MedGen CN230736.

gnomAD v4.1: 1 of 1,613,984 alleles (0.000062%); highest among the groups gnomAD compares: Non-Finnish European, 0.000085%; no homozygotes.

Submission:

Ambry Genetics
Classification: Uncertain significance for Cardiovascular phenotype. Last evaluated: 2024-08-26. Review status: criteria provided, single submitter. Criteria: Ambry Variant Classification Scheme 2023. Collection method: clinical testing. Allele origin: germline.
Comment: The p.T1148N variant (also known as c.3443C>A), located in coding exon 49 of the COL1A2 gene, results from a C to A substitution at nucleotide position 3443. The threonine at codon 1148 is replaced by asparagine, an amino acid with similar properties. This amino acid position is not well conserved in available vertebrate species. In addition, this alteration is predicted to be tolerated by in silico analysis. Based on the available evidence, the clinical significance of this variant remains unclear.